The following is an entry in ClinVar:

ClinVar aggregate classification (germline): Uncertain significance. Review status: criteria provided, multiple submitters, no conflicts (2 of 4 stars). 8 submissions from 8 submitters: Uncertain significance (6). 2 of the submissions do not count toward it. Last evaluated 2025-11-18.

Conditions:
Hereditary cancer-predisposing syndrome. Also called: Neoplastic Syndromes, Hereditary; Tumor predisposition; Hereditary neoplastic syndrome; Hereditary Cancer Syndrome. Identifiers: Orphanet 140162, MedGen C0027672, MeSH D009386, MONDO:0015356.
Hereditary breast ovarian cancer syndrome. Also called: Hereditary breast and ovarian cancer syndrome; Hereditary breast and ovarian cancer; Hereditary breast and ovarian cancer syndrome (HBOC); Breast and ovarian cancer; Hereditary breast and/or ovarian cancer syndrome; BRCA1- and BRCA2-Associated Hereditary Breast and Ovarian Cancer. Identifiers: Orphanet 145, MedGen C0677776, MeSH D061325, MONDO:0003582. Disease mechanism: loss of function.
BRCA2-related cancer predisposition. Identifiers: MedGen CN377758, MONDO:0700269.
BRCA2-related disorder. Also called: BRCA2-related condition; BRCA2-related disorders. Identifiers: MedGen CN239275.
Familial cancer of breast. Also called: BREAST CANCER, FAMILIAL; Hereditary breast cancer; hereditary breast carcinoma. Identifiers: Orphanet 227535, MedGen C0346153, MONDO:0016419, OMIM 114480. Disease mechanism: loss of function.
Breast-ovarian cancer, familial, susceptibility to, 2 (BROVCA2). Also called: BRCA2 Hereditary Breast and Ovarian Cancer. Identifiers: Orphanet 145, MedGen C2675520, MONDO:0012933, OMIM 612555. Disease mechanism: loss of function.

gnomAD v4.1: 1 of 1,613,934 alleles (0.000062%); highest among the groups gnomAD compares: Non-Finnish European, 0.000085%; no homozygotes.

Submissions (8):

Labcorp Genetics (formerly Invitae), Labcorp
Classification: Uncertain significance for Hereditary breast ovarian cancer syndrome. Last evaluated: 2025-11-18. Review status: criteria provided, single submitter. Criteria: Invitae Variant Classification Sherloc (09022015). Collection method: clinical testing. Allele origin: germline.
Comment: This sequence change replaces alanine, which is neutral and non-polar, with valine, which is neutral and non-polar, at codon 2864 of the BRCA2 protein (p.Ala2864Val). This variant is not present in population databases (gnomAD no frequency). This missense change has been observed in individual(s) with breast cancer (PMID: 10923033). ClinVar contains an entry for this variant (Variation ID: 52629). Invitae Evidence Modeling of protein sequence and biophysical properties (such as structural, functional, and spatial information, amino acid conservation, physicochemical variation, residue mobility, and thermodynamic stability) indicates that this missense variant is not expected to disrupt BRCA2 protein function with a negative predictive value of 95%. Experimental studies have shown that this missense change does not substantially affect BRCA2 function (PMID: 37922907). In summary, the available evidence is currently insufficient to determine the role of this variant in disease. Therefore, it has been classified as a Variant of Uncertain Significance.

Ambry Genetics
Classification: Uncertain significance for Hereditary cancer-predisposing syndrome. Last evaluated: 2025-06-26. Review status: criteria provided, single submitter. Criteria: Ambry Variant Classification Scheme 2023. Collection method: clinical testing. Allele origin: germline.
Comment: The p.A2864V variant (also known as c.8591C>T), located in coding exon 19 of the BRCA2 gene, results from a C to T substitution at nucleotide position 8591. The alanine at codon 2864 is replaced by valine, an amino acid with similar properties. The results from two saturation genome editing-based studies, including a haploid cell-survival assay and a humanized mouse embryonic stem cell line assay of drug response and survival, are discordant for this nucleotide substitution (Huang H et al. Nature. 2025 Feb;638(8050):528-537; Sahu S et al. Nature. 2025 Feb;638(8050):538-545).Using a computational method that produces a probabilistic likelihood ratio predictive of whether a missense variant impairs protein function, this alteration is predicted to be neutral (Karchin R et al. Cancer Inform, 2008 Apr;6:203-16). This amino acid position is not well conserved in available vertebrate species, and valine is the reference amino acid in other vertebrate species. In addition, this alteration is predicted to be tolerated by in silico analysis. Based on the available evidence, the clinical significance of this variant remains unclear.

All of Us Research Program, National Institutes of Health
Classification: Uncertain significance for BRCA2-related cancer predisposition. Last evaluated: 2024-03-24. Review status: criteria provided, single submitter. Criteria: ACMG Guidelines, 2015. Collection method: clinical testing. Allele origin: germline. Inheritance: Autosomal dominant inheritance. Observed: 1 variant allele, 1 heterozygote.
Comment: This missense variant replaces alanine with valine at codon 2864 of the BRCA2 protein. Computational prediction suggests that this variant may not impact protein structure and function. A functional study in mouse embryonic stem cells showed that this variant does not impact cell viability or sensitivity to cisplatin or olaparib (PMID: 37922907). This variant has been reported in a multifactorial analysis with co-occurrence and family history likelihood ratios for pathogenicity of 1.0498 and 0.9755, respectively (PMID: 31131967) and in an unaffected individual (PMID: 33471991; Leiden Open Variation Database DB-ID BRCA2_000350). This variant has not been identified in the general population by the Genome Aggregation Database (gnomAD). The available evidence is insufficient to determine the role of this variant in disease conclusively. Therefore, this variant is classified as a Variant of Uncertain Significance.

This study involves interpretation of variants in research participants for the purpose of population health screening. Participant phenotype was not available at the time of variant classification. Additional details can be found in publication PMID: 35346344, PMCID: PMC8962531

Color Diagnostics, LLC DBA Color Health
Classification: Uncertain significance for Hereditary cancer-predisposing syndrome. Last evaluated: 2024-02-22. Review status: criteria provided, single submitter. Criteria: ACMG Guidelines, 2015. Collection method: clinical testing. Allele origin: germline.
Comment: This missense variant replaces alanine with valine at codon 2864 of the BRCA2 protein. Computational prediction suggests that this variant may not impact protein structure and function. A functional study in mouse embryonic stem cells showed that this variant does not impact cell viability or sensitivity to cisplatin or olaparib (PMID: 37922907). This variant has been reported in a multifactorial analysis with co-occurrence and family history likelihood ratios for pathogenicity of 1.0498 and 0.9755, respectively (PMID: 31131967) and in an unaffected individual (PMID: 33471991; Leiden Open Variation Database DB-ID BRCA2_000350). This variant has not been identified in the general population by the Genome Aggregation Database (gnomAD). The available evidence is insufficient to determine the role of this variant in disease conclusively. Therefore, this variant is classified as a Variant of Uncertain Significance.

Baylor Genetics
Classification: Uncertain significance for Familial cancer of breast. Last evaluated: 2023-08-05. Review status: criteria provided, single submitter. Criteria: ACMG Guidelines, 2015. Collection method: clinical testing. Allele origin: unknown.

Quest Diagnostics Nichols Institute San Juan Capistrano
Classification: Uncertain significance. Last evaluated: 2023-06-04. Review status: criteria provided, single submitter. Criteria: Quest Diagnostics criteria. Collection method: clinical testing. Allele origin: unknown.
Comment: In the published literature, this variant has been reported in healthy individuals during a large breast cancer association study (PMID: 33471991 (2021)). This variant has not been reported in large, multi-ethnic general populations (Genome Aggregation Database). Analysis of this variant using bioinformatics tools for the prediction of the effect of amino acid changes on protein structure and function yielded predictions that this variant is benign. Based on the available information, we are unable to determine the clinical significance of this variant.

PreventionGenetics, part of Exact Sciences
Classification: Uncertain significance for BRCA2-related condition. Last evaluated: 2024-06-09. Review status: no assertion criteria provided. Collection method: clinical testing. Allele origin: germline. Not counted in ClinVar's aggregate classification.
Comment: The BRCA2 c.8591C>T variant is predicted to result in the amino acid substitution p.Ala2864Val. This variant has been reported in the literature in an individual with breast cancer and in healthy individuals (Szabo C et al 2000. PubMed ID: 10923033; Breast Cancer Association Consortium et al 2021. PubMed ID: 33471991). This variant is absent in a large population database, indicating this variant is rare. This variant is interpreted as a variant of uncertain significance by multiple submitters in ClinVar. At this time, the clinical significance of this variant is uncertain due to the absence of conclusive functional and genetic evidence.

Breast Cancer Information Core (BIC) (BRCA2)
Classification: Uncertain significance for Breast-ovarian cancer, familial 2. Last evaluated: 2003-12-23. Review status: no assertion criteria provided. Collection method: clinical testing. Allele origin: germline. Affected: yes. Observed: 2 variant alleles. Not counted in ClinVar's aggregate classification.

Literature cited by the submitters: PubMed 10923033 (cited by Labcorp Genetics (formerly Invitae), Labcorp); PubMed 37922907 (cited by 3 submitters); PubMed 19043619 (cited by Ambry Genetics and Quest Diagnostics Nichols Institute San Juan Capistrano); PubMed 31131967 (cited by All of Us Research Program, National Institutes of Health and Color Diagnostics, LLC DBA Color Health); PubMed 33471991 (cited by 3 submitters).

NM_000059.4(BRCA2):c.8591C>T (p.Ala2864Val)

Gene: BRCA2 (BRCA2 DNA repair associated; plus strand). Cytogenetic location: 13q13.1.
Variant type: single nucleotide variant.
Coding change: c.8591C>T on transcript NM_000059.4 (MANE Select); coding-DNA position 8591, C replaced by T.
Protein change: p.Ala2864Val; replaces alanine 2864 with valine.
Molecular consequence: missense variant.
Genome position (GRCh38, 1-based): chr13:32,371,059, C>T. VCF-style: chr13-32371059-C-T. GRCh37 (hg19) VCF-style: chr13-32945196-C-T.
Other names: short protein forms A2864V.
Identifiers: ClinVar variation 52629 (VCV000052629.22), dbSNP rs80359116, ClinGen allele CA025725.